The following is an entry in ClinVar:

ClinVar aggregate classification (germline): Uncertain significance (1 of 4 stars; one submission).

Allele frequency attached by ClinVar (database versions not stated): gnomAD 0.00001; gnomAD exomes 0.00001; ExAC 0.00002; TOPMed 0.00002.
gnomAD v4.1: 18 of 1,609,104 alleles (0.0011%); highest among the groups gnomAD compares: Admixed American, 0.0034%; no homozygotes.

Submission:

Labcorp Genetics (formerly Invitae), Labcorp
Classification: Uncertain significance. Last evaluated: 2022-01-23. Review status: criteria provided, single submitter. Criteria: Invitae Variant Classification Sherloc (09022015). Collection method: clinical testing. Allele origin: germline.
Comment: Algorithms developed to predict the effect of missense changes on protein structure and function are either unavailable or do not agree on the potential impact of this missense change (SIFT: "Deleterious"; PolyPhen-2: "Probably Damaging"; Align-GVGD: "Class C0"). In summary, the available evidence is currently insufficient to determine the role of this variant in disease. Therefore, it has been classified as a Variant of Uncertain Significance. This variant has not been reported in the literature in individuals affected with LRRK1-related conditions. This variant is present in population databases (rs758667510, gnomAD 0.007%). This sequence change replaces arginine, which is basic and polar, with tryptophan, which is neutral and slightly polar, at codon 380 of the LRRK1 protein (p.Arg380Trp).

NM_024652.6(LRRK1):c.1138C>T (p.Arg380Trp)

Gene: LRRK1 (leucine rich repeat kinase 1; plus strand). Cytogenetic location: 15q26.3.
Variant type: single nucleotide variant.
Coding change: c.1138C>T on transcript NM_024652.6 (MANE Select); coding-DNA position 1138, C replaced by T.
Protein change: p.Arg380Trp; replaces arginine 380 with tryptophan.
Molecular consequence: missense variant.
Genome position (GRCh38, 1-based): chr15:101,010,694, C>T. VCF-style: chr15-101010694-C-T. GRCh37 (hg19) VCF-style: chr15-101550899-C-T.
Other names: short protein forms R380W.
Identifiers: ClinVar variation 2175450 (VCV002175450.4), dbSNP rs758667510, ClinGen allele CA7760810.